The following is an entry in ClinVar:

ClinVar aggregate classification (germline): Uncertain significance (1 of 4 stars; one submission).

Conditions:
DICER1-related tumor predisposition. Also called: DICER1 syndrome; DICER1-related pleuropulmonary blastoma cancer predisposition syndrome. Identifiers: Orphanet 284343, MedGen C3839822, MONDO:0100216.

Submission:

Labcorp Genetics (formerly Invitae), Labcorp
Classification: Uncertain significance for DICER1-related tumor predisposition. Last evaluated: 2018-09-26. Review status: criteria provided, single submitter. Criteria: Invitae Variant Classification Sherloc (09022015). Collection method: clinical testing. Allele origin: germline.
Comment: In summary, the available evidence is currently insufficient to determine the role of this variant in disease. Therefore, it has been classified as a Variant of Uncertain Significance. Algorithms developed to predict the effect of missense changes on protein structure and function (SIFT, PolyPhen-2, Align-GVGD) all suggest that this variant is likely to be disruptive, but these predictions have not been confirmed by published functional studies and their clinical significance is uncertain. This variant has not been reported in the literature in individuals with DICER1-related disease. This variant is not present in population databases (ExAC no frequency). This sequence change replaces arginine with methionine at codon 746 of the DICER1 protein (p.Arg746Met). The arginine residue is highly conserved and there is a moderate physicochemical difference between arginine and methionine.

NM_177438.3(DICER1):c.2237G>T (p.Arg746Met)

Gene: DICER1 (dicer 1, ribonuclease III; minus strand). Cytogenetic location: 14q32.13.
Variant type: single nucleotide variant.
Coding change: c.2237G>T on transcript NM_177438.3 (MANE Select); coding-DNA position 2237, G replaced by T.
Protein change: p.Arg746Met; replaces arginine 746 with methionine.
Molecular consequence: missense variant.
Genome position (GRCh38, 1-based): chr14:95,111,336, C>A on the plus strand (G>T on the coding strand, the complement: DICER1 is on the minus strand). VCF-style: chr14-95111336-C-A. GRCh37 (hg19) VCF-style: chr14-95577673-C-A.
Other names: c.2237G>T, p.Arg746Met (NM_001195573.1, NM_001271282.3, NM_001291628.2 and 1 more transcripts); short protein forms R746M.
Identifiers: ClinVar variation 664439 (VCV000664439.10), dbSNP rs1595390982, ClinGen allele CA390882511.
Genomic context (GRCh38, chr14:95,111,336, plus strand): 5'-CAGAAATGCTAGGTTTTTACTCTGTTCTAACCAATACTAACTGCTTTTGGGTAGCACTGC[C>A]TTCGTTTCGTGGAACCTGGTCTTCCTGGAACACTGGTCTCTTCTTCATCATGCAAATCAA-3'
Protein context (NP_803187.1, residues 736-756): VPGRPGSTKR[Arg746Met]QCYPKAIPEC